The following is an entry in ClinVar:

ClinVar aggregate classification (germline): Uncertain significance (1 of 4 stars; one submission).

Submission:

Labcorp Genetics (formerly Invitae), Labcorp
Classification: Uncertain significance. Last evaluated: 2021-09-01. Review status: criteria provided, single submitter. Criteria: Invitae Variant Classification Sherloc (09022015). Collection method: clinical testing. Allele origin: germline.
Comment: This sequence change replaces lysine with glutamic acid at codon 824 of the OTOF protein (p.Lys824Glu). The lysine residue is highly conserved and there is a small physicochemical difference between lysine and glutamic acid. This variant is not present in population databases (ExAC no frequency). This variant has not been reported in the literature in individuals affected with OTOF-related conditions. Algorithms developed to predict the effect of missense changes on protein structure and function are either unavailable or do not agree on the potential impact of this missense change (SIFT: "Deleterious"; PolyPhen-2: "Benign"; Align-GVGD: "Class C55"). In summary, the available evidence is currently insufficient to determine the role of this variant in disease. Therefore, it has been classified as a Variant of Uncertain Significance.

NM_194248.3(OTOF):c.2470A>G (p.Lys824Glu)

Gene: OTOF (otoferlin; minus strand). Cytogenetic location: 2p23.3.
Variant type: single nucleotide variant.
Coding change: c.2470A>G on transcript NM_194248.3 (MANE Select); coding-DNA position 2470, A replaced by G.
Protein change: p.Lys824Glu; replaces lysine 824 with glutamic acid.
Molecular consequence: missense variant.
Genome position (GRCh38, 1-based): chr2:26,477,225, T>C on the plus strand (A>G on the coding strand, the complement: OTOF is on the minus strand). VCF-style: chr2-26477225-T-C. GRCh37 (hg19) VCF-style: chr2-26700093-T-C.
Other names: c.2470A>G, p.Lys824Glu (NM_001287489.2); c.229A>G, p.Lys77Glu (NM_004802.4, NM_194323.3); c.400A>G, p.Lys134Glu (NM_194322.3); short protein forms K77E, K824E, K134E.
Identifiers: ClinVar variation 1498042 (VCV001498042.5), dbSNP rs2148051221, ClinGen allele CA346121865.